The following is an entry in ClinVar:

NM_001128840.3(CACNA1D):c.3186del (p.Leu1061_Tyr1062insTer)

Gene: CACNA1D (calcium voltage-gated channel subunit alpha1 D; plus strand). Cytogenetic location: 3p21.1.
Variant type: Deletion.
Coding change: c.3186del on transcript NM_001128840.3 (MANE Select); coding-DNA position 3186, one base deleted (C; older notation c.3186delC).
Protein change: p.Leu1061_Tyr1062insTer.
Molecular consequence: nonsense.
Genome position (GRCh38, 1-based): chr3:53,747,320, C deleted. VCF-style (leftmost placement, unchanged base first): chr3-53747319-AC-A. GRCh37 (hg19) VCF-style: chr3-53781346-AC-A.
Other names: c.3246del, p.Leu1081_Tyr1082insTer (NM_000720.4); c.3186del, p.Leu1061_Tyr1062insTer (NM_001128839.3); c.3246delC (NM_000720.3).
Identifiers: ClinVar variation 1708923 (VCV001708923.3), dbSNP rs2473958452, ClinGen allele CA2577793549.

ClinVar aggregate classification (germline): Uncertain significance. Review status: criteria provided, multiple submitters, no conflicts (2 of 4 stars). 2 submissions from 2 submitters: Uncertain significance (2). Last evaluated 2025-02-12.

Conditions:
CACNA1D-related disorder.

Submissions (2):

PreventionGenetics, part of Exact Sciences
Classification: Uncertain significance for CACNA1D-related condition. Last evaluated: 2025-02-12. Review status: criteria provided, single submitter. Criteria: ACMG Guidelines, 2015. Collection method: clinical testing. Allele origin: germline.
Comment: The CACNA1D c.3246delC variant is predicted to result in premature protein termination (p.Tyr1082*). To our knowledge, this variant has not been reported in the literature or in a large population database (gnomAD), indicating this variant is rare. The CACNA1D gene is predicted to be intolerant to loss-of-function variation; however, this is not an established mechanism of disease. At this time, the clinical significance of this variant is uncertain due to the absence of conclusive functional and genetic evidence.

GeneDx
Classification: Uncertain significance. Last evaluated: 2022-10-03. Review status: criteria provided, single submitter. Criteria: GeneDx Variant Classification Process June 2021. Collection method: clinical testing. Allele origin: germline. Affected: yes.
Comment: Not observed at significant frequency in large population cohorts (gnomAD); Nonsense variant predicted to result in protein truncation or nonsense mediated decay in a gene for which loss-of-function is not a known mechanism of disease; Has not been previously published as pathogenic or benign to our knowledge